The following is an entry in ClinVar:

NM_001367868.2(PLIN4):c.828_905del (p.Gly277_Asp302del)

Gene: PLIN4 (perilipin 4; minus strand). Cytogenetic location: 19p13.3.
Variant type: Deletion.
Coding change: c.828_905del on transcript NM_001367868.2 (MANE Select); coding-DNA positions 828 to 905, 78 bases deleted.
Protein change: p.Gly277_Asp302del.
Molecular consequence: inframe deletion.
Genome position (GRCh38, 1-based): chr19:4,513,055-4,513,132, 78 bases deleted. GRCh37 (hg19): chr19:4,513,067-4,513,144.
Other names: c.831_908del, p.Gly278_Asp303del (NM_001393888.1, NM_001393889.1); c.828_905del, p.Gly277_Asp302del (NM_001393890.1, NM_001393891.1).
Identifiers: ClinVar variation 2649061 (VCV002649061.24), dbSNP rs1568235281, ClinGen allele CA9100948.

ClinVar aggregate classification (germline): Likely benign (1 of 4 stars; one submission).

Submission:

CeGaT Center for Human Genetics Tuebingen
Classification: Likely benign. Last evaluated: 2025-06-01. Review status: criteria provided, single submitter. Criteria: CeGaT Center For Human Genetics Tuebingen Variant Classification Criteria Version 2. Collection method: clinical testing. Allele origin: germline. Affected: yes. Observed: 12 variant alleles.
Comment: PLIN4: PM4, BS1, BS2